The following is an entry in ClinVar:

ClinVar aggregate classification (germline): Uncertain significance (1 of 4 stars; one submission).

Submission:

GeneDx
Classification: Uncertain significance. Last evaluated: 2022-04-29. Review status: criteria provided, single submitter. Criteria: GeneDx Variant Classification Process June 2021. Collection method: clinical testing. Allele origin: germline. Affected: yes.
Comment: Has not been previously published as pathogenic or benign to our knowledge; Not observed at significant frequency in large population cohorts (gnomAD); In silico analysis supports that this missense variant has a deleterious effect on protein structure/function

NM_018668.5(VPS33B):c.983C>T (p.Ser328Phe)

Gene: VPS33B (VPS33B late endosome and lysosome associated; minus strand). Cytogenetic location: 15q26.1.
Variant type: single nucleotide variant.
Coding change: c.983C>T on transcript NM_018668.5 (MANE Select); coding-DNA position 983, C replaced by T.
Protein change: p.Ser328Phe; replaces serine 328 with phenylalanine.
Molecular consequence: missense variant.
Genome position (GRCh38, 1-based): chr15:91,005,741, G>A on the plus strand (C>T on the coding strand, the complement: VPS33B is on the minus strand). VCF-style: chr15-91005741-G-A. GRCh37 (hg19) VCF-style: chr15-91548971-G-A.
Other names: c.902C>T, p.Ser301Phe (NM_001289148.1); c.710C>T, p.Ser237Phe (NM_001289149.1); short protein forms S237F, S301F, S328F.
Identifiers: ClinVar variation 1712760 (VCV001712760.2), dbSNP rs374991257, ClinGen allele CA393852538.